The following is an entry in ClinVar:

ClinVar aggregate classification (germline): Uncertain significance. Review status: criteria provided, multiple submitters, no conflicts (2 of 4 stars). 3 submissions from 3 submitters: Uncertain significance (3). Last evaluated 2025-03-26.

Conditions:
Inborn genetic diseases. Identifiers: MedGen C0950123, MeSH D030342.

Allele frequency attached by ClinVar (database versions not stated): gnomAD 0.00001; TOPMed 0.00001.
gnomAD v4.1: 2 of 1,602,380 alleles (0.00012%); highest among the groups gnomAD compares: Admixed American, 0.0033%; no homozygotes.

Submissions (3):

Ambry Genetics
Classification: Uncertain significance for Inborn genetic diseases. Last evaluated: 2025-03-26. Review status: criteria provided, single submitter. Criteria: Ambry Variant Classification Scheme 2023. Collection method: clinical testing. Allele origin: germline.

Labcorp Genetics (formerly Invitae), Labcorp
Classification: Uncertain significance. Last evaluated: 2023-01-09. Review status: criteria provided, single submitter. Criteria: Invitae Variant Classification Sherloc (09022015). Collection method: clinical testing. Allele origin: germline.
Comment: In summary, the available evidence is currently insufficient to determine the role of this variant in disease. Therefore, it has been classified as a Variant of Uncertain Significance. Advanced modeling of protein sequence and biophysical properties (such as structural, functional, and spatial information, amino acid conservation, physicochemical variation, residue mobility, and thermodynamic stability) performed at Invitae indicates that this missense variant is not expected to disrupt SMARCA2 protein function. This sequence change replaces isoleucine, which is neutral and non-polar, with valine, which is neutral and non-polar, at codon 1456 of the SMARCA2 protein (p.Ile1456Val). This variant is present in population databases (no rsID available, gnomAD 0.1%). This variant has not been reported in the literature in individuals affected with SMARCA2-related conditions. ClinVar contains an entry for this variant (Variation ID: 1704915).

GeneDx
Classification: Uncertain significance. Last evaluated: 2022-03-10. Review status: criteria provided, single submitter. Criteria: GeneDx Variant Classification Process June 2021. Collection method: clinical testing. Allele origin: germline. Affected: yes.
Comment: In silico analysis supports that this missense variant does not alter protein structure/function; Has not been previously published as pathogenic or benign to our knowledge

NM_003070.5(SMARCA2):c.4366A>G (p.Ile1456Val)

Gene: SMARCA2 (SWI/SNF related BAF chromatin remodeling complex subunit ATPase 2; plus strand). Cytogenetic location: 9p24.3.
Variant type: single nucleotide variant.
Coding change: c.4366A>G on transcript NM_003070.5 (MANE Select); coding-DNA position 4366, A replaced by G.
Protein change: p.Ile1456Val; replaces isoleucine 1456 with valine.
Molecular consequence: missense variant.
Genome position (GRCh38, 1-based): chr9:2,182,147, A>G. VCF-style: chr9-2182147-A-G. GRCh37 (hg19) VCF-style: chr9-2182147-A-G.
Other names: c.4366A>G, p.Ile1456Val (NM_001289396.2); c.4138A>G, p.Ile1380Val (NM_001289397.2); c.340A>G, p.Ile114Val (NM_001289398.2); c.424A>G, p.Ile142Val (NM_001289399.2); c.430A>G, p.Ile144Val (NM_001289400.2); c.4312A>G, p.Ile1438Val (NM_139045.4); short protein forms I114V, I1380V, I142V, I1438V, I144V, I1456V.
Identifiers: ClinVar variation 1704915 (VCV001704915.6), dbSNP rs1328126540, ClinGen allele CA372789919.